The following is an entry in ClinVar:

NM_031308.4(EPPK1):c.1887C>T (p.Ala629=)

Gene: EPPK1 (epiplakin 1; minus strand). Cytogenetic location: 8q24.3.
Variant type: single nucleotide variant.
Coding change: c.1887C>T on transcript NM_031308.4 (MANE Select); coding-DNA position 1887, C replaced by T.
Protein change: p.Ala629=; no amino-acid change (alanine 629 retained).
Molecular consequence: synonymous variant.
Genome position (GRCh38, 1-based): chr8:143,871,367, G>A on the plus strand (C>T on the coding strand, the complement: EPPK1 is on the minus strand). VCF-style: chr8-143871367-G-A. GRCh37 (hg19) VCF-style: chr8-144945535-G-A.
Identifiers: ClinVar variation 3034651 (VCV003034651.2), dbSNP rs73715515, ClinGen allele CA4923237.

ClinVar aggregate classification (germline): Benign (0 of 4 stars; one submission).

Conditions:
EPPK1-related disorder. Also called: EPPK1-related condition.

Allele frequency attached by ClinVar (database versions not stated): gnomAD exomes 0.00281; ExAC 0.00929; ESP Exome Variant Server 0.02526; gnomAD 0.02606; TOPMed 0.02897; 1000 Genomes Project 0.03075; 1000 Genomes Project 30x 0.03279.
gnomAD v4.1: 8,271 of 1,608,534 alleles (0.51%); highest among the groups gnomAD compares: African/African-American, 8.9%; 325 homozygotes.

Submission:

PreventionGenetics, part of Exact Sciences
Classification: Benign for EPPK1-related condition. Last evaluated: 2021-04-14. Review status: no assertion criteria provided. Collection method: clinical testing. Allele origin: germline.
Comment: This variant is classified as benign based on ACMG/AMP sequence variant interpretation guidelines (Richards et al. 2015 PMID: 25741868, with internal and published modifications).